The following is an entry in ClinVar:

NM_000492.4(CFTR):c.721G>T (p.Gly241Trp)

Gene: CFTR (CF transmembrane conductance regulator; plus strand). Cytogenetic location: 7q31.2.
Variant type: single nucleotide variant.
Coding change: c.721G>T on transcript NM_000492.4 (MANE Select); coding-DNA position 721, G replaced by T.
Protein change: p.Gly241Trp; replaces glycine 241 with tryptophan.
Molecular consequence: missense variant.
Genome position (GRCh38, 1-based): chr7:117,535,389, G>T. VCF-style: chr7-117535389-G-T. GRCh37 (hg19) VCF-style: chr7-117175443-G-T.
Other names: short protein forms G241W.
Identifiers: ClinVar variation 2075170 (VCV002075170.2), dbSNP rs397508789, ClinGen allele CA368977150.

ClinVar aggregate classification (germline): Uncertain significance. Review status: criteria provided, multiple submitters, no conflicts (2 of 4 stars). 2 submissions from 2 submitters: Uncertain significance (2). Last evaluated 2026-01-15.

Conditions:
Cystic fibrosis (CF). Also called: MUCOVISCIDOSIS. Identifiers: Orphanet 586, MedGen C0010674, MONDO:0009061, OMIM 219700. Disease mechanism: loss of function.

Submissions (2):

Ambry Genetics
Classification: Uncertain significance for Cystic fibrosis. Last evaluated: 2026-01-15. Review status: criteria provided, single submitter. Criteria: Ambry Variant Classification Scheme 2023. Collection method: clinical testing. Allele origin: germline.
Comment: The p.G241W variant (also known as c.721G>T), located in coding exon 6 of the CFTR gene, results from a G to T substitution at nucleotide position 721. The glycine at codon 241 is replaced by tryptophan, an amino acid with highly dissimilar properties. This amino acid position is well conserved in available vertebrate species. In addition, this alteration is predicted to be deleterious by in silico analysis. Based on the available evidence, the clinical significance of this variant remains unclear.

Labcorp Genetics (formerly Invitae), Labcorp
Classification: Uncertain significance for Cystic fibrosis. Last evaluated: 2022-02-27. Review status: criteria provided, single submitter. Criteria: Invitae Variant Classification Sherloc (09022015). Collection method: clinical testing. Allele origin: germline.
Comment: This sequence change replaces glycine, which is neutral and non-polar, with tryptophan, which is neutral and slightly polar, at codon 241 of the CFTR protein (p.Gly241Trp). This variant is not present in population databases (gnomAD no frequency). This variant has not been reported in the literature in individuals affected with CFTR-related conditions. Algorithms developed to predict the effect of missense changes on protein structure and function are either unavailable or do not agree on the potential impact of this missense change (SIFT: "Deleterious"; PolyPhen-2: "Probably Damaging"; Align-GVGD: "Class C0"). In summary, the available evidence is currently insufficient to determine the role of this variant in disease. Therefore, it has been classified as a Variant of Uncertain Significance.